The following is an entry in ClinVar:

ClinVar aggregate classification (germline): Uncertain significance (1 of 4 stars; one submission).

gnomAD v4.1: 1 of 1,201,336 alleles (0.000083%); highest among the groups gnomAD compares: East Asian, 0.003%; no homozygotes.

Submission:

Labcorp Genetics (formerly Invitae), Labcorp
Classification: Uncertain significance. Last evaluated: 2025-02-17. Review status: criteria provided, single submitter. Criteria: Invitae Variant Classification Sherloc (09022015). Collection method: clinical testing. Allele origin: germline.
Comment: This sequence change replaces glutamic acid, which is acidic and polar, with lysine, which is basic and polar, at codon 289 of the PHEX protein (p.Glu289Lys). This variant is not present in population databases (gnomAD no frequency). This variant has not been reported in the literature in individuals affected with PHEX-related conditions. Invitae Evidence Modeling of protein sequence and biophysical properties (such as structural, functional, and spatial information, amino acid conservation, physicochemical variation, residue mobility, and thermodynamic stability) has been performed for this missense variant. However, the output from this modeling did not meet the statistical confidence thresholds required to predict the impact of this variant on PHEX protein function. In summary, the available evidence is currently insufficient to determine the role of this variant in disease. Therefore, it has been classified as a Variant of Uncertain Significance.

NM_000444.6(PHEX):c.865G>A (p.Glu289Lys)

Gene: PHEX (phosphate regulating endopeptidase X-linked; plus strand). Cytogenetic location: Xp22.11.
Variant type: single nucleotide variant.
Coding change: c.865G>A on transcript NM_000444.6 (MANE Select); coding-DNA position 865, G replaced by A.
Protein change: p.Glu289Lys; replaces glutamic acid 289 with lysine.
Molecular consequence: missense variant.
Genome position (GRCh38, 1-based): chrX:22,096,970, G>A. VCF-style: chrX-22096970-G-A. GRCh37 (hg19) VCF-style: chrX-22115088-G-A.
Other names: c.865G>A, p.Glu289Lys (NM_001282754.2); short protein forms E289K.
Identifiers: ClinVar variation 3661808 (VCV003661808.2).